The following is an entry in ClinVar:

NM_001868.4(CPA1):c.433A>G (p.Lys145Glu)

Gene: CPA1 (carboxypeptidase A1; plus strand). Cytogenetic location: 7q32.2.
Variant type: single nucleotide variant.
Coding change: c.433A>G on transcript NM_001868.4 (MANE Select); coding-DNA position 433, A replaced by G.
Protein change: p.Lys145Glu; replaces lysine 145 with glutamic acid.
Molecular consequence: missense variant.
Genome position (GRCh38, 1-based): chr7:130,382,159, A>G. VCF-style: chr7-130382159-A-G. GRCh37 (hg19) VCF-style: chr7-130022000-A-G.
Other names: c.433A>G (NM_001868.2); short protein forms K145E.
Identifiers: ClinVar variation 2982824 (VCV002982824.4), dbSNP rs2117501368, ClinGen allele CA369281013.

ClinVar aggregate classification (germline): Uncertain significance. Review status: criteria provided, multiple submitters, no conflicts (2 of 4 stars). 2 submissions from 2 submitters: Uncertain significance (2). Last evaluated 2026-06-14.

Conditions:
Hereditary pancreatitis (PCTT). Also called: PRSS1-Related Hereditary Pancreatitis; Hereditary chronic pancreatitis. Identifiers: Orphanet 676, MedGen C0238339, MONDO:0008185, OMIM 167800.

Allele frequency attached by ClinVar (database versions not stated): gnomAD exomes below 0.00001.
gnomAD v4.1: 2 of 1,614,260 alleles (0.00012%); highest among the groups gnomAD compares: East Asian, 0.0045%; no homozygotes.

Submissions (2):

Ambry Genetics
Classification: Uncertain significance for Hereditary pancreatitis. Last evaluated: 2026-06-14. Review status: criteria provided, single submitter. Criteria: Ambry Variant Classification Scheme 2023. Collection method: clinical testing. Allele origin: germline.
Comment: The p.K145E variant (also known as c.433A>G), located in coding exon 4 of the CPA1 gene, results from an A to G substitution at nucleotide position 433. The lysine at codon 145 is replaced by glutamic acid, an amino acid with similar properties. This amino acid position is conserved. In addition, this alteration is predicted to be tolerated by in silico analysis. Based on the available evidence, the clinical significance of this variant remains unclear.

Labcorp Genetics (formerly Invitae), Labcorp
Classification: Uncertain significance. Last evaluated: 2023-07-22. Review status: criteria provided, single submitter. Criteria: Invitae Variant Classification Sherloc (09022015). Collection method: clinical testing. Allele origin: germline.
Comment: This sequence change replaces lysine, which is basic and polar, with glutamic acid, which is acidic and polar, at codon 145 of the CPA1 protein (p.Lys145Glu). This variant is not present in population databases (gnomAD no frequency). This variant has not been reported in the literature in individuals affected with CPA1-related conditions. Advanced modeling of protein sequence and biophysical properties (such as structural, functional, and spatial information, amino acid conservation, physicochemical variation, residue mobility, and thermodynamic stability) has been performed at Invitae for this missense variant, however the output from this modeling did not meet the statistical confidence thresholds required to predict the impact of this variant on CPA1 protein function. In summary, the available evidence is currently insufficient to determine the role of this variant in disease. Therefore, it has been classified as a Variant of Uncertain Significance.